The following is an entry in ClinVar:

ClinVar aggregate classification (germline): Uncertain significance (1 of 4 stars; one submission).

Conditions:
Hereditary spastic paraplegia 39 (SPG39). Also called: Spastic Paraplegia Type 39 (SPG39); SPASTIC PARAPLEGIA 39, AUTOSOMAL RECESSIVE. Identifiers: Orphanet 139480, MedGen C2677586, MONDO:0012787, OMIM 612020.

Allele frequency attached by ClinVar (database versions not stated): gnomAD exomes below 0.00001; ExAC 0.00001; gnomAD 0.00001; TOPMed 0.00002; ESP Exome Variant Server 0.00008.
gnomAD v4.1: 2 of 1,613,590 alleles (0.00012%); highest among the groups gnomAD compares: Non-Finnish European, 0.000085%; no homozygotes.

Submission:

Labcorp Genetics (formerly Invitae), Labcorp
Classification: Uncertain significance for Hereditary spastic paraplegia 39. Last evaluated: 2021-10-25. Review status: criteria provided, single submitter. Criteria: Invitae Variant Classification Sherloc (09022015). Collection method: clinical testing. Allele origin: germline.
Comment: In summary, the available evidence is currently insufficient to determine the role of this variant in disease. Therefore, it has been classified as a Variant of Uncertain Significance. This sequence change replaces arginine, which is basic and polar, with glutamine, which is neutral and polar, at codon 469 of the PNPLA6 protein (p.Arg469Gln). This variant is present in population databases (rs370094298, gnomAD 0.0009%). This variant has not been reported in the literature in individuals affected with PNPLA6-related conditions. Algorithms developed to predict the effect of missense changes on protein structure and function output the following: SIFT: "Tolerated"; PolyPhen-2: "Benign"; Align-GVGD: "Class C0". The glutamine amino acid residue is found in multiple mammalian species, which suggests that this missense change does not adversely affect protein function.

NM_001166114.2(PNPLA6):c.1523G>A (p.Arg508Gln)

Gene: PNPLA6 (patatin like domain 6, lysophospholipase; plus strand). Cytogenetic location: 19p13.2.
Variant type: single nucleotide variant.
Coding change: c.1523G>A on transcript NM_001166114.2 (MANE Select); coding-DNA position 1523, G replaced by A.
Protein change: p.Arg508Gln; replaces arginine 508 with glutamine.
Molecular consequence: missense variant.
Genome position (GRCh38, 1-based): chr19:7,542,921, G>A. VCF-style: chr19-7542921-G-A. GRCh37 (hg19) VCF-style: chr19-7607807-G-A.
Other names: c.1550G>A, p.Arg517Gln (NM_001166111.2); c.1406G>A, p.Arg469Gln (NM_001166112.2, NM_001166113.1, NM_006702.5); short protein forms R508Q, R517Q, R469Q.
Identifiers: ClinVar variation 1444179 (VCV001444179.4), dbSNP rs370094298, ClinGen allele CA9139833.